The following is an entry in ClinVar:

NM_000355.4(TCN2):c.809C>T (p.Ala270Val)

Gene: TCN2 (transcobalamin 2; plus strand). Cytogenetic location: 22q12.2.
Variant type: single nucleotide variant.
Coding change: c.809C>T on transcript NM_000355.4 (MANE Select); coding-DNA position 809, C replaced by T.
Protein change: p.Ala270Val; replaces alanine 270 with valine.
Molecular consequence: missense variant.
Genome position (GRCh38, 1-based): chr22:30,615,656, C>T. VCF-style: chr22-30615656-C-T. GRCh37 (hg19) VCF-style: chr22-31011643-C-T.
Other names: c.728C>T, p.Ala243Val (NM_001184726.2); short protein forms A270V, A243V.
Identifiers: ClinVar variation 529778 (VCV000529778.14), dbSNP rs201392026, ClinGen allele CA10184854.

ClinVar aggregate classification (germline): Uncertain significance. Review status: criteria provided, multiple submitters, no conflicts (2 of 4 stars). 6 submissions from 6 submitters: Uncertain significance (4). 2 of the submissions do not count toward it. Last evaluated 2025-06-14.

Conditions:
Transcobalamin II deficiency (TCN2D). Also called: Transcolabamin II deficiency; TC II DEFICIENCY; TCN2 DEFICIENCY. Identifiers: Orphanet 859, MedGen C0342701, MONDO:0010149, OMIM 275350.

Allele frequency attached by ClinVar (database versions not stated): 1000 Genomes Project 30x 0.00031; ESP Exome Variant Server 0.00038; ExAC 0.00039; 1000 Genomes Project 0.00040; TOPMed 0.00042; gnomAD exomes 0.00044; gnomAD 0.00055 and 0.00056.
gnomAD v4.1: 615 of 1,614,154 alleles (0.038%); highest among the groups gnomAD compares: East Asian, 0.13%; no homozygotes.

Submissions (8):

GeneDx
Classification: Uncertain significance. Last evaluated: 2025-06-14. Review status: criteria provided, single submitter. Criteria: GeneDx Variant Classification Process June 2021. Collection method: clinical testing. Allele origin: germline. Affected: yes.
Comment: In silico analysis supports a deleterious effect on splicing; In silico analysis suggests that this missense variant does not alter protein structure/function; Has not been previously published as pathogenic or benign to our knowledge

Blueprint Genetics
Classification: Uncertain significance. Last evaluated: 2024-10-31. Review status: criteria provided, single submitter. Criteria: ACMG Guidelines, 2015. Collection method: clinical testing. Allele origin: germline.

Labcorp Genetics (formerly Invitae), Labcorp
Classification: Uncertain significance for Transcobalamin II deficiency. Last evaluated: 2022-08-19. Review status: criteria provided, single submitter. Criteria: Invitae Variant Classification Sherloc (09022015). Collection method: clinical testing. Allele origin: germline.
Comment: This sequence change replaces alanine, which is neutral and non-polar, with valine, which is neutral and non-polar, at codon 270 of the TCN2 protein (p.Ala270Val). This variant is present in population databases (rs201392026, gnomAD 0.2%), and has an allele count higher than expected for a pathogenic variant. This variant has not been reported in the literature in individuals affected with TCN2-related conditions. ClinVar contains an entry for this variant (Variation ID: 529778). Algorithms developed to predict the effect of missense changes on protein structure and function (SIFT, PolyPhen-2, Align-GVGD) all suggest that this variant is likely to be disruptive. Algorithms developed to predict the effect of sequence changes on RNA splicing suggest that this variant may create or strengthen a splice site. In summary, the available evidence is currently insufficient to determine the role of this variant in disease. Therefore, it has been classified as a Variant of Uncertain Significance.

Center for Genomics, Ann and Robert H. Lurie Children's Hospital of Chicago
Classification: Uncertain significance for Transcobalamin II deficiency. Last evaluated: 2021-03-30. Review status: criteria provided, single submitter. Criteria: ACMG Guidelines, 2015. Collection method: clinical testing. Allele origin: germline.
Comment: TCN2 NM_000355.3 exon 6 p.Ala270Val (c.809C>T): This variant has not been reported in the literature but is present in 0.1% (37/18870) of East Asian alleles in the Genome Aggregation Database. This variant is present in ClinVar (Variation ID:529778). Evolutionary conservation and computational predictive tools for this variant are unclear; of note, computational tools designed to predict splicing suggest a potential effect from this variant. However, further studies are needed to understand its impact. In summary, data on this variant is insufficient for disease classification. Therefore, the clinical significance of this variant is uncertain.

Clinical Genetics DNA and cytogenetics Diagnostics Lab, Erasmus MC, Erasmus Medical Center
Classification: Uncertain significance. Review status: no assertion criteria provided. Collection method: clinical testing. Allele origin: germline. Affected: yes. Study: VKGL Data-share Consensus. Not counted in ClinVar's aggregate classification.

Dr. Peter K. Rogan Lab, Western University
No classification provided (evidence only). Condition: Melanoma. Review status: no classification provided. Collection method: in vitro. Allele origin: not applicable. Functional consequence: retained intron. Not counted in ClinVar's aggregate classification.

Dr. Peter K. Rogan Lab, Western University
No classification provided (evidence only). Condition: Nonpapillary renal cell carcinoma. Review status: no classification provided. Collection method: in vitro. Allele origin: not applicable. Functional consequence: retained intron. Not counted in ClinVar's aggregate classification.

Joint Genome Diagnostic Labs from Nijmegen and Maastricht, Radboudumc and MUMC+
Classification: Uncertain significance. Review status: no assertion criteria provided. Collection method: clinical testing. Allele origin: germline. Affected: yes. Study: VKGL Data-share Consensus. Not counted in ClinVar's aggregate classification.